The following is an entry in ClinVar:

ClinVar aggregate classification (germline): Pathogenic/Likely pathogenic. Review status: criteria provided, multiple submitters, no conflicts (2 of 4 stars). 5 submissions from 5 submitters: Pathogenic (4); Likely pathogenic (1). Last evaluated 2025-09-23.

Conditions:
Inborn genetic diseases. Identifiers: MedGen C0950123, MeSH D030342.
TWIST1-related craniosynostosis (CRS1). Also called: CRANIOSYNOSTOSIS 1. Identifiers: Orphanet 63440, MedGen C4551902, MONDO:0007399, OMIM 123100. Inheritance: Heterogenous inheritance pattern.
Noonan Syndrome-like developmental disorder.

Allele frequency attached by ClinVar (database versions not stated): TOPMed below 0.00001; gnomAD 0.00001.

Submissions (5):

GeneDx
Classification: Likely pathogenic. Last evaluated: 2025-09-23. Review status: criteria provided, single submitter. Criteria: GeneDx Variant Classification Process June 2021. Collection method: clinical testing. Allele origin: germline. Affected: yes.
Comment: Nonsense variant predicted to result in protein truncation, as the last 331 amino acid(s) are lost, and other loss-of-function variants have been reported downstream in HGMD; Not observed at significant frequency in large population cohorts (gnomAD); This variant is associated with the following publications: (PMID: 28515055, 30758909, 38824261)

Ambry Genetics
Classification: Pathogenic for Inborn genetic diseases. Last evaluated: 2025-09-11. Review status: criteria provided, single submitter. Criteria: Ambry Variant Classification Scheme 2023. Collection method: clinical testing. Allele origin: germline.
Comment: The c.652C>T (p.R218*) alteration, located in exon 4 (coding exon 4) of the ERF gene, consists of a C to T substitution at nucleotide position 652. This changes the amino acid from an arginine (R) to a stop codon at amino acid position 218. This variant is not expected to trigger nonsense-mediated mRNA decay and impacts the last 60% of the protein. However, premature stop codons are typically deleterious in nature and a significant portion of the protein is affected (Ambry internal data). The Genome Aggregation Database (gnomAD) data for this variant is unreliable due to technical and/or biological issues; therefore, population frequency estimates were not considered. This variant was reported in individuals with features consistent with ERF-related neurodevelopmental disorder with multiple congenital anomalies (Glass, 2019; Dentici, 2024). Based on the available evidence, this alteration is classified as pathogenic.

Tartaglia Lab, Genetics and Rare Diseases Research Division, Bambino Gesu' Children's Hospital
Classification: Pathogenic for Noonan Syndrome-like developmental disorder. Last evaluated: 2023-12-31. Review status: criteria provided, single submitter. Criteria: ACMG Guidelines, 2015. Collection method: research. Allele origin: germline. Affected: yes.

Labcorp Genetics (formerly Invitae), Labcorp
Classification: Pathogenic for TWIST1-related craniosynostosis. Last evaluated: 2023-10-20. Review status: criteria provided, single submitter. Criteria: Invitae Variant Classification Sherloc (09022015). Collection method: clinical testing. Allele origin: germline.
Comment: This sequence change creates a premature translational stop signal (p.Arg218*) in the ERF gene. While this is not anticipated to result in nonsense mediated decay, it is expected to disrupt the last 331 amino acid(s) of the ERF protein. This variant is not present in population databases (gnomAD no frequency). This premature translational stop signal has been observed in individual(s) with clinical features of craniosynostois (PMID: 30758909). ClinVar contains an entry for this variant (Variation ID: 1310308). This variant disrupts a region of the ERF protein in which other variant(s) (p.Gly299Argfs*9) have been determined to be pathogenic (PMID: 23354439). This suggests that this is a clinically significant region of the protein, and that variants that disrupt it are likely to be disease-causing. For these reasons, this variant has been classified as Pathogenic.

CeGaT Center for Human Genetics Tuebingen
Classification: Pathogenic. Last evaluated: 2021-10-01. Review status: criteria provided, single submitter. Criteria: CeGaT Center For Human Genetics Tuebingen Variant Classification Criteria Version 2. Collection method: clinical testing. Allele origin: germline. Affected: yes. Observed: 1 variant allele.

Literature cited by the submitters: PubMed 30758909 (cited by Ambry Genetics and Labcorp Genetics (formerly Invitae), Labcorp); PubMed 38824261 (cited by Ambry Genetics); PubMed 23354439 (cited by Labcorp Genetics (formerly Invitae), Labcorp).

NM_006494.4(ERF):c.652C>T (p.Arg218Ter)

Gene: ERF (ETS2 repressor factor; minus strand). Cytogenetic location: 19q13.2.
Variant type: single nucleotide variant.
Coding change: c.652C>T on transcript NM_006494.4 (MANE Select); coding-DNA position 652, C replaced by T.
Protein change: p.Arg218Ter; replaces arginine 218 with a stop codon.
Molecular consequence: nonsense.
Genome position (GRCh38, 1-based): chr19:42,249,460, G>A on the plus strand (C>T on the coding strand, the complement: ERF is on the minus strand). VCF-style: chr19-42249460-G-A. GRCh37 (hg19) VCF-style: chr19-42753612-G-A.
Other names: c.427C>T, p.Arg143Ter (NM_001301035.2, NM_001308402.2, NM_001312656.2); short protein forms R143*, R218*.
Identifiers: ClinVar variation 1310308 (VCV001310308.47), dbSNP rs1425504754, ClinGen allele CA406111216.